The following is an entry in ClinVar:

ClinVar aggregate classification (germline): Benign. Review status: criteria provided, multiple submitters, no conflicts (2 of 4 stars). 2 submissions from 2 submitters: Benign (2). Last evaluated 2018-01-13.

Conditions:
Primary ciliary dyskinesia 17. Also called: CILIARY DYSKINESIA, PRIMARY, 17, WITH OR WITHOUT SITUS INVERSUS. Identifiers: Orphanet 244, MedGen C3542550, MONDO:0013854, OMIM 614679.

Allele frequency attached by ClinVar (database versions not stated): 1000 Genomes Project 30x 0.08479; 1000 Genomes Project 0.08546; gnomAD 0.09294 and 0.09419; TOPMed 0.09410; gnomAD exomes 0.12121.
gnomAD v4.1: 14,449 of 152,588 alleles (9.5%); highest among the groups gnomAD compares: Middle Eastern, 26%; 756 homozygotes.

Submissions (2):

Illumina Laboratory Services, Illumina
Classification: Benign for Primary ciliary dyskinesia 17. Last evaluated: 2018-01-13. Review status: criteria provided, single submitter. Criteria: ICSL Variant Classification Criteria 13 December 2019. Collection method: clinical testing. Allele origin: germline.
Comment: This variant was observed in the ICSL laboratory as part of a predisposition screen in an ostensibly healthy population. It had not been previously curated by ICSL or reported in the Human Gene Mutation Database (HGMD: prior to June 1st, 2018), and was therefore a candidate for classification through an automated scoring system. Utilizing variant allele frequency, disease prevalence and penetrance estimates, and inheritance mode, an automated score was calculated to assess if this variant is too frequent to cause the disease. Based on the score and internal cut-off values, a variant classified as benign is not then subjected to further curation. The score for this variant resulted in a classification of benign for this disease.

Breakthrough Genomics
Classification: Benign. Review status: criteria provided, single submitter. Criteria: ACMG Guidelines, 2015. Collection method: not provided. Allele origin: germline. Inheritance: Autosomal recessive inheritance. Affected: yes.

NM_213607.3(DNAAF19):c.-45G>A

Gene: DNAAF19 (dynein axonemal assembly factor 19; plus strand). Cytogenetic location: 17q21.31.
Variant type: single nucleotide variant.
Coding change: c.-45G>A on transcript NM_213607.3 (MANE Select); 45 bases upstream of the start codon, G replaced by A.
Molecular consequence: 5 prime UTR variant.
Genome position (GRCh38, 1-based): chr17:44,899,824, G>A. VCF-style: chr17-44899824-G-A. GRCh37 (hg19) VCF-style: chr17-42977192-G-A.
Other names: c.-15G>A (NM_001258395.2); c.-29G>A (NM_001258396.2, NM_001258398.3); c.-45G>A (NM_001258397.3, NM_001258399.2).
Identifiers: ClinVar variation 323580 (VCV000323580.6), dbSNP rs2277616, ClinGen allele CA10649427.